The following is an entry in ClinVar:

ClinVar aggregate classification (germline): Likely pathogenic (1 of 4 stars; one submission).

Submission:

Quest Diagnostics Nichols Institute San Juan Capistrano
Classification: Likely pathogenic. Last evaluated: 2022-10-31. Review status: criteria provided, single submitter. Criteria: ACMG/ClinGen CNV Guidelines, 2019. Collection method: clinical testing. Allele origin: unknown.
Comment: This copy number gain involves multiple protein-coding genes. It confers susceptibility to a range of neurodevelopmental disorders and increased risk for cardiovascular disease (Allach El Khattabi et al., J Med Genet. 2018 Oct 4. Pii: jmedgenet-2018-105389. PMID: 30287593). The clinical significance of this recurrent duplication has been debated, because similar duplications are repeatedly observed in uncharacterized controls and in unaffected relatives (Ullmann R et al., Hum Mutat. 2007 Jul;28(7):674-82.PMID: 17480035; Hannes FD et al., J Med Genet. 2009 Apr;46(4):223-32. PMID: 18550696). However, the duplication is enriched in patients versus controls in multiple case-control studies (Coe et al., Nat Genet. 2014 Oct;46(10):1063-71., PMID: 25217958; Girirajan et al., N Engl J Med. 2012 Oct 4;367(14):1321-31., PMID: 22970919), with some exceptions (Kaminsky et al., Genet Med. 2011 Sep;13(9):777-84., PMID: 21844811). Thus, the clinical significance of this copy number variant (CNV) is likely pathogenic, with variable expressivity and incomplete penetrance.

GRCh37/hg19 16p13.11-12.3(chr16:15058821-16837613)x3

Genes: ABCC1 (ATP binding cassette subfamily C member 1 (ABCC1 blood group); plus strand), ABCC6 (ATP binding cassette subfamily C member 6; minus strand), BMERB1 (bMERB domain containing 1; plus strand), CEP20 (centrosomal protein 20; minus strand), MARF1 (meiosis regulator and mRNA stability factor 1; minus strand) and 8 more. Cytogenetic location: 16p13.11-12.3.
Variant type: copy number gain.
Change: copy number 3 (three copies instead of two) of chr16:15,058,821-16,837,613 (1.78 Mb, GRCh37 coordinates, 1-based), cytogenetic band 16p13.11-12.3.
Identifiers: ClinVar variation 2684791 (VCV002684791.1).